The following is an entry in ClinVar:

NM_004281.4(BAG3):c.1067dup (p.Pro357fs)

Gene: BAG3 (BAG cochaperone 3; plus strand). Cytogenetic location: 10q26.11.
Variant type: Duplication.
Coding change: c.1067dup on transcript NM_004281.4 (MANE Select); coding-DNA position 1067, one base duplicated (C; older notation c.1067dupC).
Protein change: p.Pro357fs; shifts the reading frame from proline 357.
Molecular consequence: frameshift variant.
Genome position (GRCh38, 1-based): chr10:119,676,621, C duplicated; the last of 5 consecutive C bases (chr10:119,676,617-119,676,621); duplicating any one gives the same sequence. VCF-style (leftmost placement, unchanged base first): chr10-119676616-G-GC. GRCh37 (hg19) VCF-style: chr10-121436128-G-GC.
Other names: short protein forms P357fs.
Identifiers: ClinVar variation 2942604 (VCV002942604.3), dbSNP rs727505109, ClinGen allele CA2740093565.

ClinVar aggregate classification (germline): Pathogenic (1 of 4 stars; one submission).

Conditions:
Dilated cardiomyopathy 1HH (CMD1HH). Identifiers: Orphanet 154, MedGen C3151293, MONDO:0013479, OMIM 613881.
Myofibrillar myopathy 6. Identifiers: Orphanet 199340, MedGen C2751831, MONDO:0013061, OMIM 612954.

Submission:

Labcorp Genetics (formerly Invitae), Labcorp
Classification: Pathogenic for Dilated cardiomyopathy 1HH; Myofibrillar myopathy 6. Last evaluated: 2022-12-23. Review status: criteria provided, single submitter. Criteria: Invitae Variant Classification Sherloc (09022015). Collection method: clinical testing. Allele origin: germline.
Comment: This variant has not been reported in the literature in individuals affected with BAG3-related conditions. This sequence change creates a premature translational stop signal (p.Pro357Thrfs*4) in the BAG3 gene. While this is not anticipated to result in nonsense mediated decay, it is expected to disrupt the last 219 amino acid(s) of the BAG3 protein. This variant is not present in population databases (gnomAD no frequency). This variant disrupts a region of the BAG3 protein in which other variant(s) (p.Arg473*) have been determined to be pathogenic (PMID: 28436997, 32160020). This suggests that this is a clinically significant region of the protein, and that variants that disrupt it are likely to be disease-causing. For these reasons, this variant has been classified as Pathogenic.

Literature cited by the submitters: PubMed 28436997; PubMed 32160020.